The following is an entry in ClinVar:

ClinVar aggregate classification (germline): Uncertain significance (1 of 4 stars; one submission).

Conditions:
Alagille syndrome due to a NOTCH2 point mutation. Also called: Alagille syndrome 2. Identifiers: Orphanet 261629, Orphanet 52, MedGen C1857761, MONDO:0012439, OMIM 610205.

Submission:

Johns Hopkins Genomics, Johns Hopkins University
Classification: Uncertain significance for Alagille syndrome due to a NOTCH2 point mutation. Last evaluated: 2024-04-25. Review status: criteria provided, single submitter. Criteria: ACMG Guidelines, 2015. Collection method: clinical testing. Allele origin: germline.
Comment: This NOTCH2 missense variant is absent from a large population dataset and has not been reported in ClinVar nor the literature, to our knowledge. Two bioinformatic tools queried predict that this substitution would be tolerated, but these algorithms have low specificity, especially for predicting gain of function or dominant negative variants. The glutamine residue at this position is evolutionarily conserved across some but not all of the species assessed. We consider the clinical significance of c.6668A>G in NOTCH2 to be uncertain at this time.

Literature cited by the submitters: PubMed 20301450; PubMed 31343788.

NM_024408.4(NOTCH2):c.6668A>G (p.Gln2223Arg)

Gene: NOTCH2 (notch receptor 2; minus strand). Cytogenetic location: 1p12.
Variant type: single nucleotide variant.
Coding change: c.6668A>G on transcript NM_024408.4 (MANE Select); coding-DNA position 6668, A replaced by G.
Protein change: p.Gln2223Arg; replaces glutamine 2223 with arginine.
Molecular consequence: missense variant.
Genome position (GRCh38, 1-based): chr1:119,916,054, T>C on the plus strand (A>G on the coding strand, the complement: NOTCH2 is on the minus strand). VCF-style: chr1-119916054-T-C. GRCh37 (hg19) VCF-style: chr1-120458677-T-C.
Other names: short protein forms Q2223R.
Identifiers: ClinVar variation 4280005 (VCV004280005.1).